The following is an entry in ClinVar:

ClinVar aggregate classification (germline): Likely pathogenic (1 of 4 stars; one submission).

Conditions:
Androgen resistance syndrome (AIS). Also called: Androgen insensitivity syndrome; Androgen insensitivity syndrome due to coactivator deficiency; DHTR DEFICIENCY; ANDROGEN RECEPTOR DEFICIENCY; DIHYDROTESTOSTERONE RECEPTOR DEFICIENCY; Androgen insensitivity, complete. Identifiers: Orphanet 754, Orphanet 99429, MedGen C0039585, MONDO:0019154, OMIM 300068. Disease mechanism: loss of function.
Kennedy disease (SMAX1). Also called: Spinal and Bulbar Muscular Atrophy; SPINAL AND BULBAR MUSCULAR ATROPHY, X-LINKED 1; KENNEDY SPINAL AND BULBAR MUSCULAR ATROPHY. Identifiers: Orphanet 481, MedGen C1839259, MONDO:0010735, OMIM 313200.

Submissions (2):

Labcorp Genetics (formerly Invitae), Labcorp
Classification: Likely pathogenic for Kennedy disease; Androgen resistance syndrome. Last evaluated: 2022-03-04. Review status: criteria provided, single submitter. Criteria: Invitae Variant Classification Sherloc (09022015). Collection method: clinical testing. Allele origin: germline.
Comment: This variant is not present in population databases (gnomAD no frequency). This sequence change replaces aspartic acid, which is acidic and polar, with valine, which is neutral and non-polar, at codon 696 of the AR protein (p.Asp696Val). This missense change has been observed in individual(s) with clinical features of androgen insensitivity syndrome (PMID: 9554754, 32985417; Invitae). This variant is also known as D695V. Algorithms developed to predict the effect of missense changes on protein structure and function are either unavailable or do not agree on the potential impact of this missense change (SIFT: "Deleterious"; PolyPhen-2: "Probably Damaging"; Align-GVGD: "Class C0"). This variant disrupts the p.Asp696 amino acid residue in AR. Other variant(s) that disrupt this residue have been determined to be pathogenic (PMID: 1775137, 31499074; Invitae). This suggests that this residue is clinically significant, and that variants that disrupt this residue are likely to be disease-causing. In summary, the currently available evidence indicates that the variant is pathogenic, but additional data are needed to prove that conclusively. Therefore, this variant has been classified as Likely Pathogenic.

Dr. Peter K. Rogan Lab, Western University
No classification provided (evidence only). Condition: Thyroid cancer, nonmedullary, 1. Review status: no classification provided. Collection method: in vitro. Allele origin: not applicable. Functional consequence: retained intron. Not counted in ClinVar's aggregate classification.

Literature cited by the submitters: PubMed 9554754 (cited by Labcorp Genetics (formerly Invitae), Labcorp); PubMed 32985417 (cited by Labcorp Genetics (formerly Invitae), Labcorp); PubMed 1775137 (cited by Labcorp Genetics (formerly Invitae), Labcorp); PubMed 31499074 (cited by Labcorp Genetics (formerly Invitae), Labcorp).

NM_000044.6(AR):c.2087A>T (p.Asp696Val)

Gene: AR (androgen receptor; plus strand). Cytogenetic location: Xq12.
Variant type: single nucleotide variant.
Coding change: c.2087A>T on transcript NM_000044.6 (MANE Select); coding-DNA position 2087, A replaced by T.
Protein change: p.Asp696Val; replaces aspartic acid 696 with valine.
Molecular consequence: missense variant.
Genome position (GRCh38, 1-based): chrX:67,711,603, A>T. VCF-style: chrX-67711603-A-T. GRCh37 (hg19) VCF-style: chrX-66931445-A-T.
Other names: c.491A>T, p.Asp164Val (NM_001011645.3); short protein forms D164V, D696V.
Identifiers: ClinVar variation 2138585 (VCV002138585.5), dbSNP rs2147524993, ClinGen allele CA413423385.